The following is an entry in ClinVar:

NM_001042492.3(NF1):c.4043A>T (p.His1348Leu)

Gene: NF1 (neurofibromin 1; plus strand). Cytogenetic location: 17q11.2.
Variant type: single nucleotide variant.
Coding change: c.4043A>T on transcript NM_001042492.3 (MANE Select); coding-DNA position 4043, A replaced by T.
Protein change: p.His1348Leu; replaces histidine 1348 with leucine.
Molecular consequence: missense variant.
Genome position (GRCh38, 1-based): chr17:31,249,052, A>T. VCF-style: chr17-31249052-A-T. GRCh37 (hg19) VCF-style: chr17-29576070-A-T.
Other names: c.4043A>T, p.His1348Leu (NM_000267.4); short protein forms H1348L.
Identifiers: ClinVar variation 967918 (VCV000967918.7), dbSNP rs786201844, ClinGen allele CA398994961.

ClinVar aggregate classification (germline): Uncertain significance. Review status: criteria provided, multiple submitters, no conflicts (2 of 4 stars). 2 submissions from 2 submitters: Uncertain significance (2). Last evaluated 2025-11-12.

Conditions:
Neurofibromatosis, type 1 (NF1). Also called: Neurofibromatosis, type I; Peripheral type neurofibromatosis; VON RECKLINGHAUSEN DISEASE; NEUROFIBROMATOSIS, TYPE I, SOMATIC. Identifiers: Orphanet 636, MedGen C0027831, MONDO:0018975, OMIM 162200. Disease mechanism: loss of function.
Cardiovascular phenotype. Identifiers: MedGen CN230736.
Hereditary cancer-predisposing syndrome. Also called: Hereditary neoplastic syndrome; Hereditary Cancer Syndrome; Tumor predisposition; Neoplastic Syndromes, Hereditary. Identifiers: Orphanet 140162, MedGen C0027672, MeSH D009386, MONDO:0015356.

Submissions (2):

Ambry Genetics
Classification: Uncertain significance for Cardiovascular phenotype; Hereditary cancer-predisposing syndrome. Last evaluated: 2025-11-12. Review status: criteria provided, single submitter. Criteria: Ambry Variant Classification Scheme 2023. Collection method: clinical testing. Allele origin: germline.

Labcorp Genetics (formerly Invitae), Labcorp
Classification: Uncertain significance for Neurofibromatosis, type 1. Last evaluated: 2022-12-14. Review status: criteria provided, single submitter. Criteria: Invitae Variant Classification Sherloc (09022015). Collection method: clinical testing. Allele origin: germline.
Comment: In summary, the available evidence is currently insufficient to determine the role of this variant in disease. Therefore, it has been classified as a Variant of Uncertain Significance. This sequence change replaces histidine, which is basic and polar, with leucine, which is neutral and non-polar, at codon 1348 of the NF1 protein (p.His1348Leu). Advanced modeling of protein sequence and biophysical properties (such as structural, functional, and spatial information, amino acid conservation, physicochemical variation, residue mobility, and thermodynamic stability) performed at Invitae indicates that this missense variant is not expected to disrupt NF1 protein function. ClinVar contains an entry for this variant (Variation ID: 967918). This variant has not been reported in the literature in individuals affected with NF1-related conditions. This variant is not present in population databases (gnomAD no frequency).